The following is an entry in ClinVar:

ClinVar aggregate classification (germline): Uncertain significance (1 of 4 stars; one submission).

Conditions:
Inborn genetic diseases. Identifiers: MedGen C0950123, MeSH D030342.

Submission:

Ambry Genetics
Classification: Uncertain significance for Inborn genetic diseases. Last evaluated: 2026-03-21. Review status: criteria provided, single submitter. Criteria: Ambry Variant Classification Scheme 2023. Collection method: clinical testing. Allele origin: germline.
Comment: The p.T394I variant (also known as c.1181C>T), located in coding exon 3 of the MBD4 gene, results from a C to T substitution at nucleotide position 1181. The threonine at codon 394 is replaced by isoleucine, an amino acid with similar properties. This amino acid position is conserved. In addition, this alteration is predicted to be tolerated by in silico analysis. Based on the available evidence, the clinical significance of this variant remains unclear.

NM_001276270.2(MBD4):c.1181C>T (p.Thr394Ile)

Gene: MBD4 (methyl-CpG binding domain 4, DNA glycosylase; minus strand). Cytogenetic location: 3q21.3.
Variant type: single nucleotide variant.
Coding change: c.1181C>T on transcript NM_001276270.2 (MANE Select); coding-DNA position 1181, C replaced by T.
Protein change: p.Thr394Ile; replaces threonine 394 with isoleucine.
Molecular consequence: missense variant. On other transcripts: intron variant (1).
Genome position (GRCh38, 1-based): chr3:129,436,463, G>A on the plus strand (C>T on the coding strand, the complement: MBD4 is on the minus strand). VCF-style: chr3-129436463-G-A. GRCh37 (hg19) VCF-style: chr3-129155306-G-A.
Other names: c.1181C>T, p.Thr394Ile (NM_001276271.2, NM_001276272.2, NM_003925.3); c.247+1345C>T (NM_001276273.2); short protein forms T394I.
Identifiers: ClinVar variation 4859561 (VCV004859561.1).